The following is an entry in ClinVar:

ClinVar aggregate classification (germline): Uncertain significance (1 of 4 stars; one submission).

Submission:

Labcorp Genetics (formerly Invitae), Labcorp
Classification: Uncertain significance. Last evaluated: 2022-08-14. Review status: criteria provided, single submitter. Criteria: Invitae Variant Classification Sherloc (09022015). Collection method: clinical testing. Allele origin: germline.
Comment: Algorithms developed to predict the effect of sequence changes on RNA splicing suggest that this variant may disrupt the consensus splice site. In summary, the available evidence is currently insufficient to determine the role of this variant in disease. Therefore, it has been classified as a Variant of Uncertain Significance. This sequence change replaces serine, which is neutral and polar, with alanine, which is neutral and non-polar, at codon 442 of the SIAE protein (p.Ser442Ala). This variant is not present in population databases (gnomAD no frequency). Algorithms developed to predict the effect of missense changes on protein structure and function output the following: SIFT: "Tolerated"; PolyPhen-2: "Benign"; Align-GVGD: "Class C0". The alanine amino acid residue is found in multiple mammalian species, which suggests that this missense change does not adversely affect protein function. This variant has not been reported in the literature in individuals affected with SIAE-related conditions.

NM_170601.5(SIAE):c.1324T>G (p.Ser442Ala)

Gene: SIAE (sialic acid acetylesterase; minus strand). Cytogenetic location: 11q24.2.
Variant type: single nucleotide variant.
Coding change: c.1324T>G on transcript NM_170601.5 (MANE Select); coding-DNA position 1324, T replaced by G.
Protein change: p.Ser442Ala; replaces serine 442 with alanine.
Molecular consequence: missense variant.
Genome position (GRCh38, 1-based): chr11:124,637,199, A>C on the plus strand (T>G on the coding strand, the complement: SIAE is on the minus strand). VCF-style: chr11-124637199-A-C. GRCh37 (hg19) VCF-style: chr11-124507095-A-C.
Other names: c.1219T>G, p.Ser407Ala (NM_001199922.2); short protein forms S407A, S442A.
Identifiers: ClinVar variation 1973385 (VCV001973385.5), dbSNP rs2496875036, ClinGen allele CA383142345.